The following is an entry in ClinVar:

NM_000067.3(CA2):c.508-30G>C

Gene: CA2 (carbonic anhydrase 2; plus strand). Cytogenetic location: 8q21.2.
Variant type: single nucleotide variant.
Coding change: c.508-30G>C on transcript NM_000067.3 (MANE Select); 30 bases into the intron before coding-DNA position 508, G replaced by C.
Molecular consequence: intron variant.
Genome position (GRCh38, 1-based): chr8:85,477,090, G>C. VCF-style: chr8-85477090-G-C. GRCh37 (hg19) VCF-style: chr8-86389319-G-C.
Other names: c.205-30G>C (NM_001293675.2).
Identifiers: ClinVar variation 2501334 (VCV002501334.1), dbSNP rs72682972, ClinGen allele CA4796561.

ClinVar aggregate classification (germline): Likely benign (1 of 4 stars; one submission).

Allele frequency attached by ClinVar (database versions not stated): ESP Exome Variant Server 0.00131; gnomAD 0.00174; 1000 Genomes Project 30x 0.00250; 1000 Genomes Project 0.00280.
gnomAD v4.1: 4,058 of 1,613,094 alleles (0.25%); highest among the groups gnomAD compares: South Asian, 1.1%; 18 homozygotes.

Submission:

GeneDx
Classification: Likely benign. Last evaluated: 2020-12-13. Review status: criteria provided, single submitter. Criteria: GeneDx Variant Classification Process June 2021. Collection method: clinical testing. Allele origin: germline. Affected: yes.
Comment: See Variant Classification Assertion Criteria.